The following is an entry in ClinVar:

ClinVar aggregate classification (germline): Uncertain significance (1 of 4 stars; one submission).

Submission:

Labcorp Genetics (formerly Invitae), Labcorp
Classification: Uncertain significance. Last evaluated: 2023-05-11. Review status: criteria provided, single submitter. Criteria: Invitae Variant Classification Sherloc (09022015). Collection method: clinical testing. Allele origin: unknown.
Comment: In summary, the available evidence is currently insufficient to determine the role of this variant in disease. Therefore, it has been classified as a Variant of Uncertain Significance. This variant has not been reported in the literature in individuals affected with NFIA-related conditions. This variant results in a copy number gain of the genomic region encompassing exon(s) 1-2 of the NFIA gene. This region includes the initiator codon of the gene. This copy number gain extends beyond the assayed region for this gene and therefore may encompass additional genes. As the precise location of this event is unknown, it may be in tandem or it may be located elsewhere in the genome.

NC_000001.10:g.(?_61548464)_(61554372_?)dup

Gene: NFIA (nuclear factor I A; plus strand). Cytogenetic location: 1p31.3.
Variant type: Duplication.
Identifiers: ClinVar variation 3247971 (VCV003247971.1).